The following is an entry in ClinVar:

NM_000069.3(CACNA1S):c.2355C>A (p.Thr785=)

Gene: CACNA1S (calcium voltage-gated channel subunit alpha1 S; minus strand). Cytogenetic location: 1q32.1.
Variant type: single nucleotide variant.
Coding change: c.2355C>A on transcript NM_000069.3 (MANE Select); coding-DNA position 2355, C replaced by A.
Protein change: p.Thr785=; no amino-acid change (threonine 785 retained).
Molecular consequence: synonymous variant.
Genome position (GRCh38, 1-based): chr1:201,070,277, G>T on the plus strand (C>A on the coding strand, the complement: CACNA1S is on the minus strand). VCF-style: chr1-201070277-G-T. GRCh37 (hg19) VCF-style: chr1-201039405-G-T.
Identifiers: ClinVar variation 2922516 (VCV002922516.4), dbSNP rs886181188, ClinGen allele CA35973979.

ClinVar aggregate classification (germline): Likely benign. Review status: criteria provided, multiple submitters, no conflicts (2 of 4 stars). 2 submissions from 2 submitters: Likely benign (2). Last evaluated 2026-01-05.

Conditions:
Malignant hyperthermia, susceptibility to, 5 (MHS5). Also called: CACNA1S-Related Malignant Hyperthermia Susceptibility. Identifiers: Orphanet 423, MedGen C1866077, MONDO:0011163, OMIM 601887.
Hypokalemic periodic paralysis, type 1. Also called: Hypokalemic Periodic Paralysis Type 1 (AD); HypoPP. Identifiers: Orphanet 681, MedGen C3714580, MONDO:0042979, OMIM 170400.

Allele frequency attached by ClinVar (database versions not stated): gnomAD exomes 0.00001; gnomAD 0.00003; TOPMed 0.00003.
gnomAD v4.1: 13 of 1,613,854 alleles (0.00081%); highest among the groups gnomAD compares: African/African-American, 0.0013%; no homozygotes.

Submissions (2):

Labcorp Genetics (formerly Invitae), Labcorp
Classification: Likely benign for Hypokalemic periodic paralysis, type 1; Malignant hyperthermia, susceptibility to, 5. Last evaluated: 2026-01-05. Review status: criteria provided, single submitter. Criteria: Invitae Variant Classification Sherloc (09022015). Collection method: clinical testing. Allele origin: germline.

All of Us Research Program, National Institutes of Health
Classification: Likely benign for Malignant hyperthermia, susceptibility to, 5. Last evaluated: 2023-11-30. Review status: criteria provided, single submitter. Criteria: ACMG Guidelines, 2015. Collection method: clinical testing. Allele origin: germline. Inheritance: Autosomal dominant inheritance. Observed: 3 variant alleles, 3 heterozygotes.
Comment: This study involves interpretation of variants in research participants for the purpose of population health screening. Participant phenotype was not available at the time of variant classification. Additional details can be found in publication PMID: 35346344, PMCID: PMC8962531